The following is an entry in ClinVar:

ClinVar aggregate classification (germline): Uncertain significance (1 of 4 stars; one submission).

Submission:

Labcorp Genetics (formerly Invitae), Labcorp
Classification: Uncertain significance. Last evaluated: 2026-01-21. Review status: criteria provided, single submitter. Criteria: Invitae Variant Classification Sherloc (09022015). Collection method: clinical testing. Allele origin: germline.
Comment: This sequence change replaces glutamine, which is neutral and polar, with arginine, which is basic and polar, at codon 1993 of the POLE protein (p.Gln1993Arg). This variant is not present in population databases (gnomAD no frequency). This variant has not been reported in the literature in individuals affected with POLE-related conditions. ClinVar contains an entry for this variant (Variation ID: 2998815). Invitae Evidence Modeling of protein sequence and biophysical properties (such as structural, functional, and spatial information, amino acid conservation, physicochemical variation, residue mobility, and thermodynamic stability) indicates that this missense variant is not expected to disrupt POLE protein function with a negative predictive value of 80%. In summary, the available evidence is currently insufficient to determine the role of this variant in disease. Therefore, it has been classified as a Variant of Uncertain Significance.

NM_006231.4(POLE):c.5978A>G (p.Gln1993Arg)

Gene: POLE (DNA polymerase epsilon, catalytic subunit; minus strand). Cytogenetic location: 12q24.33.
Variant type: single nucleotide variant.
Coding change: c.5978A>G on transcript NM_006231.4 (MANE Select); coding-DNA position 5978, A replaced by G.
Protein change: p.Gln1993Arg; replaces glutamine 1993 with arginine.
Molecular consequence: missense variant.
Genome position (GRCh38, 1-based): chr12:132,634,212, T>C on the plus strand (A>G on the coding strand, the complement: POLE is on the minus strand). VCF-style: chr12-132634212-T-C. GRCh37 (hg19) VCF-style: chr12-133210798-T-C.
Other names: short protein forms Q1993R.
Identifiers: ClinVar variation 2998815 (VCV002998815.3), dbSNP rs2541859603, ClinGen allele CA387371459.